The following is an entry in ClinVar:

ClinVar aggregate classification (germline): Uncertain significance (1 of 4 stars; one submission).

gnomAD v4.1: 67 of 1,517,896 alleles (0.0044%); highest among the groups gnomAD compares: South Asian, 0.026%; no homozygotes.

Submission:

Women's Health and Genetics/Laboratory Corporation of America, LabCorp
Classification: Uncertain significance. Last evaluated: 2025-05-23. Review status: criteria provided, single submitter. Criteria: LabCorp Variant Classification Summary - May 2015. Collection method: clinical testing. Allele origin: germline.
Comment: Variant summary: ZFHX2 c.4223G>A (p.Arg1408Gln) results in a conservative amino acid change in the encoded protein sequence. Algorithms developed to predict the effect of missense changes on protein structure and function are either unavailable or do not agree on the potential impact of this missense change. The variant allele was found at a frequency of 0.0001 in 118222 control chromosomes. This frequency is not significantly higher than estimated for a pathogenic variant in ZFHX2 causing Indifference to pain, congenital, autosomal dominant, allowing no conclusion about variant significance. To our knowledge, no occurrence of c.4223G>A in individuals affected with Indifference to pain, congenital, autosomal dominant and no experimental evidence demonstrating its impact on protein function have been reported. No submitters have cited clinical-significance assessments for this variant to ClinVar. Based on the evidence outlined above, the variant was classified as uncertain significance.

NM_033400.3(ZFHX2):c.4223G>A (p.Arg1408Gln)

Genes: THTPA (thiamine triphosphatase; plus strand), ZFHX2 (zinc finger homeobox 2; minus strand). Cytogenetic location: 14q11.2.
Variant type: single nucleotide variant.
Coding change: c.4223G>A on transcript NM_033400.3 (MANE Select); coding-DNA position 4223, G replaced by A.
Protein change: p.Arg1408Gln; replaces arginine 1408 with glutamine.
Molecular consequence: missense variant.
Genome position (GRCh38, 1-based): chr14:23,525,719, C>T on the plus strand (G>A on the coding strand, the complement: ZFHX2 is on the minus strand). VCF-style: chr14-23525719-C-T. GRCh37 (hg19) VCF-style: chr14-23994928-C-T.
Other names: short protein forms R1408Q.
Identifiers: ClinVar variation 3902710 (VCV003902710.1).